The following is an entry in ClinVar:

ClinVar aggregate classification (germline): Uncertain significance. Review status: criteria provided, multiple submitters, no conflicts (2 of 4 stars). 2 submissions from 2 submitters: Uncertain significance (2). Last evaluated 2024-09-21.

Conditions:
Hereditary cancer-predisposing syndrome. Also called: Tumor predisposition; Hereditary neoplastic syndrome; Neoplastic Syndromes, Hereditary; Hereditary Cancer Syndrome. Identifiers: Orphanet 140162, MedGen C0027672, MeSH D009386, MONDO:0015356.

Submissions (2):

Ambry Genetics
Classification: Uncertain significance for Hereditary cancer-predisposing syndrome. Last evaluated: 2024-09-21. Review status: criteria provided, single submitter. Criteria: Ambry Variant Classification Scheme 2023. Collection method: clinical testing. Allele origin: germline.
Comment: The p.D2218E variant (also known as c.6654C>G), located in coding exon 47 of the POLE gene, results from a C to G substitution at nucleotide position 6654. The aspartic acid at codon 2218 is replaced by glutamic acid, an amino acid with highly similar properties. This amino acid position is conserved. In addition, the in silico prediction for this alteration is inconclusive. Based on the available evidence, the clinical significance of this variant remains unclear.

Labcorp Genetics (formerly Invitae), Labcorp
Classification: Uncertain significance. Last evaluated: 2020-03-18. Review status: criteria provided, single submitter. Criteria: Invitae Variant Classification Sherloc (09022015). Collection method: clinical testing. Allele origin: germline.
Comment: This sequence change replaces aspartic acid with glutamic acid at codon 2218 of the POLE protein (p.Asp2218Glu). The aspartic acid residue is highly conserved and there is a small physicochemical difference between aspartic acid and glutamic acid. This variant is not present in population databases (ExAC no frequency). This variant has not been reported in the literature in individuals with POLE-related conditions. Algorithms developed to predict the effect of missense changes on protein structure and function are either unavailable or do not agree on the potential impact of this missense change (SIFT: "Deleterious"; PolyPhen-2: "Probably Damaging"; Align-GVGD: "Class C0"). In summary, the available evidence is currently insufficient to determine the role of this variant in disease. Therefore, it has been classified as a Variant of Uncertain Significance.

NM_006231.4(POLE):c.6654C>G (p.Asp2218Glu)

Gene: POLE (DNA polymerase epsilon, catalytic subunit; minus strand). Cytogenetic location: 12q24.33.
Variant type: single nucleotide variant.
Coding change: c.6654C>G on transcript NM_006231.4 (MANE Select); coding-DNA position 6654, C replaced by G.
Protein change: p.Asp2218Glu; replaces aspartic acid 2218 with glutamic acid.
Molecular consequence: missense variant.
Genome position (GRCh38, 1-based): chr12:132,625,648, G>C on the plus strand (C>G on the coding strand, the complement: POLE is on the minus strand). VCF-style: chr12-132625648-G-C. GRCh37 (hg19) VCF-style: chr12-133202234-G-C.
Other names: c.6654C>G (NM_006231.2); short protein forms D2218E.
Identifiers: ClinVar variation 1007502 (VCV001007502.9), dbSNP rs2041822521, ClinGen allele CA387366400.